The following is an entry in ClinVar:

ClinVar aggregate classification (germline): Uncertain significance (1 of 4 stars; one submission).

gnomAD v4.1: 7 of 1,607,594 alleles (0.00044%); highest among the groups gnomAD compares: Non-Finnish European, 0.00059%; no homozygotes.

Submission:

Labcorp Genetics (formerly Invitae), Labcorp
Classification: Uncertain significance. Last evaluated: 2022-06-27. Review status: criteria provided, single submitter. Criteria: Invitae Variant Classification Sherloc (09022015). Collection method: clinical testing. Allele origin: germline.
Comment: In summary, the available evidence is currently insufficient to determine the role of this variant in disease. Therefore, it has been classified as a Variant of Uncertain Significance. Algorithms developed to predict the effect of missense changes on protein structure and function (SIFT, PolyPhen-2, Align-GVGD) all suggest that this variant is likely to be disruptive. This variant has not been reported in the literature in individuals affected with GATA5-related conditions. This variant is not present in population databases (gnomAD no frequency). This sequence change replaces glycine, which is neutral and non-polar, with arginine, which is basic and polar, at codon 193 of the GATA5 protein (p.Gly193Arg).

NM_080473.5(GATA5):c.577G>C (p.Gly193Arg)

Gene: GATA5 (GATA binding protein 5; minus strand). Cytogenetic location: 20q13.33.
Variant type: single nucleotide variant.
Coding change: c.577G>C on transcript NM_080473.5 (MANE Select); coding-DNA position 577, G replaced by C.
Protein change: p.Gly193Arg; replaces glycine 193 with arginine.
Molecular consequence: missense variant.
Genome position (GRCh38, 1-based): chr20:62,473,525, C>G on the plus strand (G>C on the coding strand, the complement: GATA5 is on the minus strand). VCF-style: chr20-62473525-C-G. GRCh37 (hg19) VCF-style: chr20-61048581-C-G.
Other names: short protein forms G193R.
Identifiers: ClinVar variation 1439821 (VCV001439821.6), dbSNP rs782105775, ClinGen allele CA409555299.